The following is an entry in ClinVar:

ClinVar aggregate classification (germline): Uncertain significance. Review status: criteria provided, multiple submitters, no conflicts (2 of 4 stars). 3 submissions from 3 submitters: Uncertain significance (2). 1 of the submissions does not count toward it. Last evaluated 2025-01-23.

Conditions:
3-Methylglutaconic aciduria type 3 (MGCA3). Also called: OPA3, AUTOSOMAL RECESSIVE; OPTIC ATROPHY 3, AUTOSOMAL RECESSIVE; Costeff Syndrome; OPA3-Related 3-Methylglutaconic Aciduria. Identifiers: Orphanet 67047, MedGen C0574084, MONDO:0009787, OMIM 258501.
Optic atrophy 3 (OPA3). Also called: OPTIC ATROPHY 3, AUTOSOMAL DOMINANT; Optic atrophy 3 with cataract; Optic atrophy, cataract, and neurologic disorder. Identifiers: Orphanet 67036, MedGen C1833809, MONDO:0008133, OMIM 165300.

Allele frequency attached by ClinVar (database versions not stated): gnomAD exomes below 0.00001; gnomAD 0.00001; TOPMed 0.00001.

Submissions (3):

Labcorp Genetics (formerly Invitae), Labcorp
Classification: Uncertain significance for 3-Methylglutaconic aciduria type 3; Optic atrophy 3. Last evaluated: 2025-01-23. Review status: criteria provided, single submitter. Criteria: Invitae Variant Classification Sherloc (09022015). Collection method: clinical testing. Allele origin: germline.
Comment: This sequence change replaces glutamine, which is neutral and polar, with arginine, which is basic and polar, at codon 139 of the OPA3 protein (p.Gln139Arg). This variant is not present in population databases (gnomAD no frequency). This variant has not been reported in the literature in individuals affected with OPA3-related conditions. ClinVar contains an entry for this variant (Variation ID: 991180). An algorithm developed to predict the effect of missense changes on protein structure and function (PolyPhen-2) suggests that this variant is likely to be tolerated. In summary, the available evidence is currently insufficient to determine the role of this variant in disease. Therefore, it has been classified as a Variant of Uncertain Significance.

Blueprint Genetics
Classification: Uncertain significance. Last evaluated: 2019-06-29. Review status: criteria provided, single submitter. Criteria: ACMG Guidelines, 2015. Collection method: clinical testing. Allele origin: germline.

Natera, Inc.
Classification: Uncertain significance for 3-methylglutaconic aciduria type 3. Last evaluated: 2020-08-13. Review status: no assertion criteria provided. Collection method: clinical testing. Allele origin: germline. Not counted in ClinVar's aggregate classification.

NM_025136.4(OPA3):c.416A>G (p.Gln139Arg)

Genes: OPA3 (outer mitochondrial membrane lipid metabolism regulator OPA3; minus strand), OPA3-RTN2 (OPA3-RTN2 readthrough; minus strand). Cytogenetic location: 19q13.32.
Variant type: single nucleotide variant.
Coding change: c.416A>G on transcript NM_025136.4 (MANE Select); coding-DNA position 416, A replaced by G.
Protein change: p.Gln139Arg; replaces glutamine 139 with arginine.
Molecular consequence: missense variant. On other transcripts: intron variant (1).
Genome position (GRCh38, 1-based): chr19:45,553,638, T>C on the plus strand (A>G on the coding strand, the complement: OPA3 is on the minus strand). VCF-style: chr19-45553638-T-C. GRCh37 (hg19) VCF-style: chr19-46056896-T-C.
Other names: c.143-24182A>G (NM_001017989.3); short protein forms Q139R.
Identifiers: ClinVar variation 991180 (VCV000991180.4), dbSNP rs1399150102, ClinGen allele CA406370079.
Genomic context (GRCh38, chr19:45,553,638, plus strand): 5'-ACCTCTTGCAGCTCTGTGCGCAGTTCCTCCAGGGCGCCCTGTGGCGGCGCCGCCTGCACC[T>C]GCGCCTGCAGCGCTTCCAGCGCCAGCGCCAGGTGGCCCACCTCGTCCCGCAGCGCGTTCC-3'
Protein context (NP_079412.1, residues 129-149): LALALEALQA[Gln139Arg]VQAAPPQGAL